The following is an entry in ClinVar:

NM_012309.5(SHANK2):c.1494-1G>A

Gene: SHANK2 (SH3 and multiple ankyrin repeat domains 2; minus strand). Cytogenetic location: 11q13.4.
Variant type: single nucleotide variant.
Coding change: c.1494-1G>A on transcript NM_012309.5 (MANE Select); the canonical splice acceptor site of the intron before coding-DNA position 1494, G replaced by A.
Molecular consequence: splice acceptor variant.
Genome position (GRCh38, 1-based): chr11:70,807,172, C>T on the plus strand (G>A on the coding strand, the complement: SHANK2 is on the minus strand). VCF-style: chr11-70807172-C-T. GRCh37 (hg19) VCF-style: chr11-70653277-C-T.
Other names: c.357-1G>A (NM_001379226.1).
Identifiers: ClinVar variation 3371757 (VCV003371757.1).
Genomic context (GRCh38, chr11:70,807,172, plus strand): 5'-GGCCCCGGGTACTCGAAGGCCGAGAGTGAGTCCTTGTTGGCACCAAGAGCAAAAGGCGAC[C>T]TGGACCAGGTGAGAGGGGCAGAGAGAGAGAGAGCAGAGTCACAAGGTCACAAGCCACATG-3'

ClinVar aggregate classification (germline): Uncertain significance (1 of 4 stars; one submission).

Submission:

GeneDx
Classification: Uncertain significance. Last evaluated: 2024-04-04. Review status: criteria provided, single submitter. Criteria: GeneDx Variant Classification Process June 2021. Collection method: clinical testing. Allele origin: germline. Affected: yes.
Comment: Not observed at significant frequency in large population cohorts (gnomAD); Canonical splice variant in a region of the gene where loss-of-function has not been definitively established as a disease mechanism (PMID: 32599522 ); Has not been previously published as pathogenic or benign to our knowledge